The following is an entry in ClinVar:

ClinVar aggregate classification (germline): Uncertain significance (1 of 4 stars; one submission).

Conditions:
Inborn genetic diseases. Identifiers: MedGen C0950123, MeSH D030342.

Submission:

Ambry Genetics
Classification: Uncertain significance for Inborn genetic diseases. Last evaluated: 2025-10-26. Review status: criteria provided, single submitter. Criteria: Ambry Variant Classification Scheme 2023. Collection method: clinical testing. Allele origin: germline.
Comment: The p.N2037T variant (also known as c.6110A>C), located in coding exon 23 of the FANCM gene, results from an A to C substitution at nucleotide position 6110. The asparagine at codon 2037 is replaced by threonine, an amino acid with similar properties. This amino acid position is conserved. In addition, this alteration is predicted to be tolerated by in silico analysis. Based on the available evidence, the clinical significance of this variant remains unclear.

NM_020937.4(FANCM):c.6110A>C (p.Asn2037Thr)

Gene: FANCM (FA complementation group M; plus strand). Cytogenetic location: 14q21.2.
Variant type: single nucleotide variant.
Coding change: c.6110A>C on transcript NM_020937.4 (MANE Select); coding-DNA position 6110, A replaced by C.
Protein change: p.Asn2037Thr; replaces asparagine 2037 with threonine.
Molecular consequence: missense variant.
Genome position (GRCh38, 1-based): chr14:45,199,971, A>C. VCF-style: chr14-45199971-A-C. GRCh37 (hg19) VCF-style: chr14-45669174-A-C.
Other names: c.6032A>C, p.Asn2011Thr (NM_001308133.2); short protein forms N2011T, N2037T.
Identifiers: ClinVar variation 4619526 (VCV004619526.1).